The following is an entry in ClinVar:

ClinVar aggregate classification (germline): Benign/Likely benign. Review status: criteria provided, multiple submitters, no conflicts (2 of 4 stars). 4 submissions from 4 submitters: Benign (1); Likely benign (3). Last evaluated 2025-07-14.

Conditions:
Hereditary cancer-predisposing syndrome. Also called: Neoplastic Syndromes, Hereditary; Tumor predisposition; Hereditary neoplastic syndrome; Hereditary Cancer Syndrome. Identifiers: Orphanet 140162, MedGen C0027672, MeSH D009386, MONDO:0015356.
Hereditary nonpolyposis colorectal neoplasms. Identifiers: MedGen C0009405, MeSH D003123.
Lynch syndrome 4 (LYNCH4). Also called: Colorectal cancer, hereditary nonpolyposis, type 4; Hereditary non-polyposis colorectal cancer, type 4. Identifiers: Orphanet 144, MedGen C1838333, MONDO:0013699, OMIM 614337. Disease mechanism: loss of function.

Submissions (4):

Color Diagnostics, LLC DBA Color Health
Classification: Likely benign for Hereditary cancer-predisposing syndrome. Last evaluated: 2025-07-14. Review status: criteria provided, single submitter. Criteria: ACMG Guidelines, 2015. Collection method: clinical testing. Allele origin: germline.

Labcorp Genetics (formerly Invitae), Labcorp
Classification: Likely benign for Hereditary nonpolyposis colorectal neoplasms. Last evaluated: 2025-05-09. Review status: criteria provided, single submitter. Criteria: Invitae Variant Classification Sherloc (09022015). Collection method: clinical testing. Allele origin: germline.

Myriad Genetics, Inc.
Classification: Benign for Lynch syndrome 4. Last evaluated: 2025-01-30. Review status: criteria provided, single submitter. Criteria: Myriad Autosomal Dominant, Autosomal Recessive and X-Linked Classification Criteria (2023). Collection method: clinical testing. Allele origin: unknown.
Comment: This variant is considered benign. This variant is a silent/synonymous amino acid change and it is not expected to impact splicing.

Ambry Genetics
Classification: Likely benign for Hereditary cancer-predisposing syndrome. Last evaluated: 2022-12-23. Review status: criteria provided, single submitter. Criteria: Ambry Variant Classification Scheme 2023. Collection method: clinical testing. Allele origin: germline.

NM_000535.7(PMS2):c.1596T>C (p.His532=)

Gene: PMS2 (PMS1 homolog 2, mismatch repair system component; minus strand). Cytogenetic location: 7p22.1.
Variant type: single nucleotide variant.
Coding change: c.1596T>C on transcript NM_000535.7 (MANE Select); coding-DNA position 1596, T replaced by C.
Protein change: p.His532=; no amino-acid change (histidine 532 retained).
Molecular consequence: synonymous variant. On other transcripts: non-coding transcript variant (1), intron variant (1).
Genome position (GRCh38, 1-based): chr7:5,987,169, A>G on the plus strand (T>C on the coding strand, the complement: PMS2 is on the minus strand). VCF-style: chr7-5987169-A-G. GRCh37 (hg19) VCF-style: chr7-6026800-A-G.
Other names: c.1272T>C, p.His424= (NM_001406884.1); c.1260T>C, p.His420= (NM_001406885.1); c.1230T>C, p.His410= (NM_001406886.1); c.1191T>C, p.His397= (NM_001406887.1, NM_001406888.1, NM_001406890.1 and 17 more transcripts); c.1278T>C, p.His426= (NM_001322008.2, NM_001406876.1, NM_001406883.1 and 2 more transcripts); c.1035T>C, p.His345= (NM_001322010.2, NM_001406906.1, NM_001406907.1); c.663T>C, p.His221= (NM_001322011.2, NM_001322012.2); c.1023T>C, p.His341= (NM_001322013.2, NM_001406909.1); and 13 more.
Identifiers: ClinVar variation 2451597 (VCV002451597.6), dbSNP rs1783037041, ClinGen allele CA453746635.